The following is an entry in ClinVar:

NM_007294.4(BRCA1):c.37A>T (p.Asn13Tyr)

Gene: BRCA1 (BRCA1 DNA repair associated; minus strand). Cytogenetic location: 17q21.31.
Variant type: single nucleotide variant.
Coding change: c.37A>T on transcript NM_007294.4 (MANE Select); coding-DNA position 37, A replaced by T.
Protein change: p.Asn13Tyr; replaces asparagine 13 with tyrosine.
Molecular consequence: missense variant. On other transcripts: 5 prime UTR variant (1), non-coding transcript variant (1).
Genome position (GRCh38, 1-based): chr17:43,124,060, T>A on the plus strand (A>T on the coding strand, the complement: BRCA1 is on the minus strand). VCF-style: chr17-43124060-T-A. GRCh37 (hg19) VCF-style: chr17-41276077-T-A.
Other names: c.-152A>T (NM_001407571.1, NM_001407853.1, NM_001407879.1 and 46 more transcripts); c.37A>T, p.Asn13Tyr (NM_001407581.1, NM_001407582.1, NM_001407583.1 and 193 more transcripts); c.-221A>T (NM_001407694.1, NM_001407724.1, NM_001407727.1 and 11 more transcripts); c.-225A>T (NM_001407695.1, NM_001408465.1); c.-366A>T (NM_001407696.1); c.-250A>T (NM_001407697.1, NM_001407846.1, NM_001407920.1); c.-51A>T (NM_001407698.1, NM_001407732.1, NM_001407736.1 and 23 more transcripts); c.-224A>T (NM_001407725.1, NM_001407730.1, NM_001407734.1 and 22 more transcripts); and 8 more; short protein forms N13Y.
Identifiers: ClinVar variation 868720 (VCV000868720.3), dbSNP rs1597923586, ClinGen allele CA10602086.

Conditions:
Breast-ovarian cancer, familial, susceptibility to, 1 (BROVCA1). Also called: BRCA1 Hereditary Breast and Ovarian Cancer; OVARIAN CANCER, SUSCEPTIBILITY TO. Identifiers: Orphanet 145, MedGen C2676676, MONDO:0011450, OMIM 604370. Disease mechanism: loss of function.

Submission:

Brotman Baty Institute, University of Washington
No classification provided (evidence only). Condition: Breast-ovarian cancer, familial 1. Review status: no classification provided. Collection method: in vitro. Allele origin: not applicable. Functional consequence: functionally_normal.
ClinVar note: "not provided" was previously submitted as the classification for the variant. However, the classification appeared to be based only on an observation of functional data so it was converted to no classification on 2025-07-30.